The following is an entry in ClinVar:

NM_175914.5(HNF4A):c.224+6G>A

Gene: HNF4A (hepatocyte nuclear factor 4 alpha; plus strand). Cytogenetic location: 20q13.12.
Variant type: single nucleotide variant.
Coding change: c.224+6G>A on transcript NM_175914.5 (MANE Select); 6 bases into the intron after coding-DNA position 224, G replaced by A.
Molecular consequence: intron variant.
Genome position (GRCh38, 1-based): chr20:44,406,238, G>A. VCF-style: chr20-44406238-G-A. GRCh37 (hg19) VCF-style: chr20-43034878-G-A.
Other names: c.215+6G>A (NM_001287182.2, NM_001287183.2, NM_001287184.2); c.224+6G>A (NM_001030003.3, NM_001030004.3); c.269+6G>A (NM_001258355.2); c.290+6G>A (NM_178849.3, NM_000457.6, NM_178850.3).
Identifiers: ClinVar variation 4995791 (VCV004995791.1).

ClinVar aggregate classification (germline): Likely benign (1 of 4 stars; one submission).

Conditions:
HNF4A-related disorder. Also called: HNF4A-related condition.

Submission:

PreventionGenetics, part of Exact Sciences
Classification: Likely benign for HNF4A-related condition. Last evaluated: 2026-06-10. Review status: criteria provided, single submitter. Criteria: ACMG Guidelines, 2015. Collection method: clinical testing. Allele origin: germline.
Comment: This variant is classified as likely benign based on ACMG/AMP sequence variant interpretation guidelines (Richards et al. 2015 PMID: 25741868, with internal and published modifications).